The following is an entry in ClinVar:

ClinVar aggregate classification (germline): Uncertain significance. Review status: criteria provided, multiple submitters, no conflicts (2 of 4 stars). 2 submissions from 2 submitters: Uncertain significance (2). Last evaluated 2025-08-11.

Conditions:
Juvenile polyposis syndrome (JPS). Identifiers: Orphanet 2929, MedGen C0345893, MONDO:0017380, OMIM 174900.

Submissions (2):

GeneDx
Classification: Uncertain significance. Last evaluated: 2025-08-11. Review status: criteria provided, single submitter. Criteria: GeneDx Variant Classification Process June 2021. Collection method: clinical testing. Allele origin: germline. Affected: yes.
Comment: Not observed at significant frequency in large population cohorts (gnomAD); In silico analysis supports that this missense variant has a deleterious effect on protein structure/function; Has not been previously published as pathogenic or benign to our knowledge; This variant is associated with the following publications: (PMID: 15235019, 18823382, 22992590)

Labcorp Genetics (formerly Invitae), Labcorp
Classification: Uncertain significance for Juvenile polyposis syndrome. Last evaluated: 2018-12-27. Review status: criteria provided, single submitter. Criteria: Invitae Variant Classification Sherloc (09022015). Collection method: clinical testing. Allele origin: germline.
Comment: In summary, the available evidence is currently insufficient to determine the role of this variant in disease. Therefore, it has been classified as a Variant of Uncertain Significance. Algorithms developed to predict the effect of missense changes on protein structure and function (SIFT, PolyPhen-2, Align-GVGD) all suggest that this variant is likely to be tolerated, but these predictions have not been confirmed by published functional studies and their clinical significance is uncertain. This variant has not been reported in the literature in individuals with SMAD4-related conditions. This variant is not present in population databases (ExAC no frequency). This sequence change replaces isoleucine with threonine at codon 141 of the SMAD4 protein (p.Ile141Thr). The isoleucine residue is highly conserved and there is a moderate physicochemical difference between isoleucine and threonine.

NM_005359.6(SMAD4):c.422T>C (p.Ile141Thr)

Gene: SMAD4 (SMAD family member 4; plus strand). Cytogenetic location: 18q21.2.
Variant type: single nucleotide variant.
Coding change: c.422T>C on transcript NM_005359.6 (MANE Select); coding-DNA position 422, T replaced by C.
Protein change: p.Ile141Thr; replaces isoleucine 141 with threonine.
Molecular consequence: missense variant.
Genome position (GRCh38, 1-based): chr18:51,048,858, T>C. VCF-style: chr18-51048858-T-C. GRCh37 (hg19) VCF-style: chr18-48575228-T-C.
Other names: short protein forms I141T.
Identifiers: ClinVar variation 650058 (VCV000650058.11), dbSNP rs1599182596, ClinGen allele CA402458899.